The following is an entry in ClinVar:

ClinVar aggregate classification (germline): Uncertain significance. Review status: criteria provided, multiple submitters, no conflicts (2 of 4 stars). 2 submissions from 2 submitters: Uncertain significance (2). Last evaluated 2023-12-29.

Conditions:
Multiple congenital anomalies-hypotonia-seizures syndrome 3 (MCAHS3). Also called: GLYCOSYLPHOSPHATIDYLINOSITOL BIOSYNTHESIS DEFECT 7. Identifiers: Orphanet 369837, MedGen C3809356, MONDO:0014165, OMIM 615398.
Paroxysmal nocturnal hemoglobinuria 2 (PNH2). Identifiers: Orphanet 447, MedGen C3809369, MONDO:0014166, OMIM 615399.

Allele frequency attached by ClinVar (database versions not stated): ExAC 0.00001; gnomAD 0.00002; TOPMed 0.00003; ESP Exome Variant Server 0.00008.

Submissions (2):

Fulgent Genetics
Classification: Uncertain significance for Multiple congenital anomalies-hypotonia-seizures syndrome 3; Paroxysmal nocturnal hemoglobinuria 2. Last evaluated: 2023-12-29. Review status: criteria provided, single submitter. Criteria: ACMG Guidelines, 2015. Collection method: clinical testing. Allele origin: germline.

Labcorp Genetics (formerly Invitae), Labcorp
Classification: Uncertain significance for Multiple congenital anomalies-hypotonia-seizures syndrome 3. Last evaluated: 2022-03-10. Review status: criteria provided, single submitter. Criteria: Invitae Variant Classification Sherloc (09022015). Collection method: clinical testing. Allele origin: germline.
Comment: This variant has not been reported in the literature in individuals affected with PIGT-related conditions. This variant is present in population databases (rs376559379, gnomAD 0.0009%). This sequence change replaces proline, which is neutral and non-polar, with alanine, which is neutral and non-polar, at codon 418 of the PIGT protein (p.Pro418Ala). In summary, the available evidence is currently insufficient to determine the role of this variant in disease. Therefore, it has been classified as a Variant of Uncertain Significance. Algorithms developed to predict the effect of missense changes on protein structure and function are either unavailable or do not agree on the potential impact of this missense change (SIFT: "Tolerated"; PolyPhen-2: "Probably Damaging"; Align-GVGD: "Class C0").

NM_015937.6(PIGT):c.1252C>G (p.Pro418Ala)

Gene: PIGT (phosphatidylinositol glycan anchor biosynthesis class T; plus strand). Cytogenetic location: 20q13.12.
Variant type: single nucleotide variant.
Coding change: c.1252C>G on transcript NM_015937.6 (MANE Select); coding-DNA position 1252, C replaced by G.
Protein change: p.Pro418Ala; replaces proline 418 with alanine.
Molecular consequence: missense variant. On other transcripts: non-coding transcript variant (5).
Genome position (GRCh38, 1-based): chr20:45,424,233, C>G. VCF-style: chr20-45424233-C-G. GRCh37 (hg19) VCF-style: chr20-44052873-C-G.
Other names: c.1084C>G, p.Pro362Ala (NM_001184728.3); c.1051C>G, p.Pro351Ala (NM_001184729.3); c.946C>G, p.Pro316Ala (NM_001184730.3); short protein forms P316A, P418A, P351A, P362A.
Identifiers: ClinVar variation 1981911 (VCV001981911.5), dbSNP rs376559379, ClinGen allele CA9878210.
Genomic context (GRCh38, chr20:45,424,233, plus strand): 5'-CTGACCCCAGGAAAGAGATGTGGGTGACCTTGCATGTCTCCAGGTTACATCCACTACCAG[C>G]CTGCCCAGGACCGGCTGCAACCCCACCTCCTGGAGATGCTGATTCAGCTGCCGGCCAACT-3'
Protein context (NP_057021.2, residues 408-428): ENKPSYIHYQ[Pro418Ala]AQDRLQPHLL